The following is an entry in ClinVar:

ClinVar aggregate classification (germline): Conflicting classifications of pathogenicity. Review status: criteria provided, conflicting classifications (1 of 4 stars). 17 submissions from 11 submitters: Uncertain significance (1); Benign (6); Likely benign (8). 2 of the submissions do not count toward it. Last evaluated 2026-01-05.

Conditions:
Geleophysic dysplasia. Identifiers: Orphanet 2623, MedGen C3489726, MONDO:0000127.
Weill-Marchesani syndrome. Also called: WM Syndrome; Mesodermal dysmorphodystrophy congenital. Identifiers: Orphanet 3449, MedGen C0265313, MONDO:0018096.
Acromicric dysplasia (ACMICD). Also called: Acromicric skeletal dysplasia. Identifiers: Orphanet 969, MedGen C0265287, MONDO:0007055, OMIM 102370.
Marfan syndrome (MFS). Also called: MARFAN SYNDROME, TYPE I; Marfan syndrome type 1; Marfan's syndrome; FBN1-Related Marfan Syndrome; Marfan syndrome, classic. Identifiers: Orphanet 284963, Orphanet 558, MedGen C0024796, MONDO:0007947, OMIM 154700.
Familial thoracic aortic aneurysm and aortic dissection (TAAD). Also called: Thoracic aortic aneurysms and dissections. Identifiers: Orphanet 91387, MedGen C4707243, MONDO:0019625.
Connective tissue disorder. Also called: Connective tissue disease. Identifiers: MedGen C0009782, MONDO:0003900.
Stiff skin syndrome (SSKS). Identifiers: Orphanet 2833, MedGen C1861456, MONDO:0008492, OMIM 184900.
Ectopia lentis 1, isolated, autosomal dominant (ECTOL1). Identifiers: Orphanet 1885, MedGen C3541518, MONDO:0007514, OMIM 129600.

Allele frequency attached by ClinVar (database versions not stated): gnomAD 0.00004 and 0.00013; TOPMed 0.00005; gnomAD exomes 0.00018 and 0.00034; ESP Exome Variant Server 0.00023; ExAC 0.00033; 1000 Genomes Project 30x 0.00047; 1000 Genomes Project 0.00060.

Submissions (17):

Labcorp Genetics (formerly Invitae), Labcorp
Classification: Likely benign for Marfan syndrome; Familial thoracic aortic aneurysm and aortic dissection. Last evaluated: 2026-01-05. Review status: criteria provided, single submitter. Criteria: Invitae Variant Classification Sherloc (09022015). Collection method: clinical testing. Allele origin: germline.

CeGaT Center for Human Genetics Tuebingen
Classification: Likely benign. Last evaluated: 2025-08-01. Review status: criteria provided, single submitter. Criteria: CeGaT Center For Human Genetics Tuebingen Variant Classification Criteria Version 2. Collection method: clinical testing. Allele origin: germline. Affected: yes. Observed: 4 variant alleles.
Comment: FBN1: BS1

Blueprint Genetics
Classification: Likely benign. Last evaluated: 2024-07-09. Review status: criteria provided, single submitter. Criteria: ACMG Guidelines, 2015. Collection method: clinical testing. Allele origin: germline.

Genome Diagnostics Laboratory, The Hospital for Sick Children
Classification: Likely benign for Connective tissue disorder. Last evaluated: 2021-12-01. Review status: criteria provided, single submitter. Criteria: ACMG Guidelines, 2015. Collection method: clinical testing. Allele origin: germline.

GeneDx
Classification: Likely benign. Last evaluated: 2020-06-18. Review status: criteria provided, single submitter. Criteria: GeneDx Variant Classification Process June 2021. Collection method: clinical testing. Allele origin: germline. Affected: yes.

Ambry Genetics
Classification: Likely benign for Familial thoracic aortic aneurysm and aortic dissection. Last evaluated: 2020-02-12. Review status: criteria provided, single submitter. Criteria: Ambry Variant Classification Scheme 2023. Collection method: clinical testing. Allele origin: germline.

Color Diagnostics, LLC DBA Color Health
Classification: Likely benign for Familial thoracic aortic aneurysm and aortic dissection. Last evaluated: 2018-10-16. Review status: criteria provided, single submitter. Criteria: ACMG Guidelines, 2015. Collection method: clinical testing. Allele origin: germline.

Women's Health and Genetics/Laboratory Corporation of America, LabCorp
Classification: Benign. Last evaluated: 2018-07-09. Review status: criteria provided, single submitter. Criteria: LabCorp Variant Classification Summary - May 2015. Collection method: clinical testing. Allele origin: germline.
Comment: Variant summary: FBN1 c.538+4A>G alters a nucleotide located close to a canonical splice site and therefore could affect mRNA splicing, leading to a significantly altered protein sequence. Several computational tools predict an impact on normal splicing: Three predict the variant weakens a 5' donor site. Two predict the variant abolishes a 5 splicing donor site. However, these predictions have yet to be confirmed by functional studies. The variant allele was found at a frequency of 0.00033 in 246094 control chromosomes, predominantly at a frequency of 0.0022 within the South Asian subpopulation in the gnomAD database, including 1 homozygote. The observed variant frequency within South Asian control individuals in the gnomAD database is approximately 20-folds higher than the estimated maximal expected allele frequency for a pathogenic variant in FBN1 causing Marfan Syndrome phenotype (0.00011), strongly suggesting that the variant is a benign polymorphism found primarily in populations of South Asian origin. To our knowledge, no occurrence of c.538+4A>G in individuals affected with Marfan Syndrome and no experimental evidence demonstrating its impact on protein function have been reported. Three ClinVar submission from clinical diagnostic laboratories (evaluation after 2014) cite the variant as "likely benign." Based on the evidence outlined above, the variant was classified as benign.

Illumina Laboratory Services, Illumina
Classification: Likely benign for Marfan syndrome. Last evaluated: 2018-01-12. Review status: criteria provided, single submitter. Criteria: ICSL Variant Classification Criteria 13 December 2019. Collection method: clinical testing. Allele origin: germline.
Comment: This variant was observed in the ICSL laboratory as part of a predisposition screen in an ostensibly healthy population. It had not been previously curated by ICSL or reported in the Human Gene Mutation Database (HGMD: prior to June 1st, 2018), and was therefore a candidate for classification through an automated scoring system. Utilizing variant allele frequency, disease prevalence and penetrance estimates, and inheritance mode, an automated score was calculated to assess if this variant is too frequent to cause the disease. Based on the score and internal cut-off values, a variant classified as likely benign is not then subjected to further curation. The score for this variant resulted in a classification of likely benign for this disease.

Illumina Laboratory Services, Illumina
Classification: Benign for Stiff skin syndrome. Last evaluated: 2018-01-12. Review status: criteria provided, single submitter. Criteria: ICSL Variant Classification Criteria 13 December 2019. Collection method: clinical testing. Allele origin: germline.
Comment: This variant was observed in the ICSL laboratory as part of a predisposition screen in an ostensibly healthy population. It had not been previously curated by ICSL or reported in the Human Gene Mutation Database (HGMD: prior to June 1st, 2018), and was therefore a candidate for classification through an automated scoring system. Utilizing variant allele frequency, disease prevalence and penetrance estimates, and inheritance mode, an automated score was calculated to assess if this variant is too frequent to cause the disease. Based on the score and internal cut-off values, a variant classified as benign is not then subjected to further curation. The score for this variant resulted in a classification of benign for this disease.

Illumina Laboratory Services, Illumina
Classification: Uncertain significance for Familial thoracic aortic aneurysm and aortic dissection. Last evaluated: 2018-01-12. Review status: criteria provided, single submitter. Criteria: ICSL Variant Classification Criteria 13 December 2019. Collection method: clinical testing. Allele origin: germline.

Illumina Laboratory Services, Illumina
Classification: Benign for Weill-Marchesani syndrome. Last evaluated: 2018-01-12. Review status: criteria provided, single submitter. Criteria: ICSL Variant Classification Criteria 13 December 2019. Collection method: clinical testing. Allele origin: germline.
Comment: the same text as in the submission from Illumina Laboratory Services, Illumina above.

Illumina Laboratory Services, Illumina
Classification: Benign for Ectopia lentis 1, isolated, autosomal dominant. Last evaluated: 2018-01-12. Review status: criteria provided, single submitter. Criteria: ICSL Variant Classification Criteria 13 December 2019. Collection method: clinical testing. Allele origin: germline.
Comment: the same text as in the submission from Illumina Laboratory Services, Illumina above.

Illumina Laboratory Services, Illumina
Classification: Benign for Acromicric dysplasia. Last evaluated: 2018-01-12. Review status: criteria provided, single submitter. Criteria: ICSL Variant Classification Criteria 13 December 2019. Collection method: clinical testing. Allele origin: germline.
Comment: the same text as in the submission from Illumina Laboratory Services, Illumina above.

Illumina Laboratory Services, Illumina
Classification: Benign for Geleophysic dysplasia. Last evaluated: 2018-01-12. Review status: criteria provided, single submitter. Criteria: ICSL Variant Classification Criteria 13 December 2019. Collection method: clinical testing. Allele origin: germline.
Comment: the same text as in the submission from Illumina Laboratory Services, Illumina above.

Clinical Genetics DNA and cytogenetics Diagnostics Lab, Erasmus MC, Erasmus Medical Center
Classification: Likely benign. Review status: no assertion criteria provided. Collection method: clinical testing. Allele origin: germline. Affected: yes. Study: VKGL Data-share Consensus. Not counted in ClinVar's aggregate classification.

Genome Diagnostics Laboratory, Amsterdam University Medical Center
Classification: Likely benign. Review status: no assertion criteria provided. Collection method: clinical testing. Allele origin: germline. Affected: yes. Study: VKGL Data-share Consensus. Not counted in ClinVar's aggregate classification.

NM_000138.5(FBN1):c.538+4A>G

Gene: FBN1 (fibrillin 1; minus strand). Cytogenetic location: 15q21.1.
Variant type: single nucleotide variant.
Coding change: c.538+4A>G on transcript NM_000138.5 (MANE Select); 4 bases into the intron after coding-DNA position 538, A replaced by G.
Molecular consequence: intron variant.
Genome position (GRCh38, 1-based): chr15:48,596,279, T>C on the plus strand (A>G on the coding strand, the complement: FBN1 is on the minus strand). VCF-style: chr15-48596279-T-C. GRCh37 (hg19) VCF-style: chr15-48888476-T-C.
Identifiers: ClinVar variation 316391 (VCV000316391.59), dbSNP rs375721252, ClinGen allele CA054803.